The following is an entry in ClinVar:

NM_004333.6(BRAF):c.1870G>A (p.Val624Ile)

Gene: BRAF (B-Raf proto-oncogene, serine/threonine kinase; minus strand). Cytogenetic location: 7q34.
Variant type: single nucleotide variant.
Coding change: c.1870G>A on transcript NM_004333.6 (MANE Select); coding-DNA position 1870, G replaced by A.
Protein change: p.Val624Ile; replaces valine 624 with isoleucine.
Molecular consequence: missense variant.
Genome position (GRCh38, 1-based): chr7:140,749,409, C>T on the plus strand (G>A on the coding strand, the complement: BRAF is on the minus strand). VCF-style: chr7-140749409-C-T. GRCh37 (hg19) VCF-style: chr7-140449209-C-T.
Other names: p.Val624Ile; c.1870G>A, p.Val624Ile (NM_001354609.2, NM_001378468.1, NM_001378474.1); c.1990G>A, p.Val664Ile (NM_001374244.1, NM_001374258.1); c.1879G>A, p.Val627Ile (NM_001378467.1); c.1804G>A, p.Val602Ile (NM_001378469.1); c.1768G>A, p.Val590Ile (NM_001378470.1); c.1759G>A, p.Val587Ile (NM_001378471.1); c.1714G>A, p.Val572Ile (NM_001378472.1, NM_001378473.1); and 1 more; short protein forms V587I, V624I, V536I, V627I, V664I, V572I, V590I, V602I.
Identifiers: ClinVar variation 960949 (VCV000960949.10), dbSNP rs781330698, ClinGen allele CA4516633.

ClinVar aggregate classification (germline): Uncertain significance. Review status: criteria provided, multiple submitters, no conflicts (2 of 4 stars). 2 submissions from 2 submitters: Uncertain significance (2). Last evaluated 2025-09-04.

Conditions:
RASopathy. Also called: rasopathies; Noonan spectrum disorder. Identifiers: Orphanet 536391, MedGen C5555857, MONDO:0021060.

Allele frequency attached by ClinVar (database versions not stated): gnomAD exomes below 0.00001; ExAC 0.00001.
gnomAD v4.1: 5 of 1,612,980 alleles (0.00031%); highest among the groups gnomAD compares: African/African-American, 0.0027%; no homozygotes.

Submissions (2):

Mayo Clinic Laboratories, Mayo Clinic
Classification: Uncertain significance. Last evaluated: 2025-09-04. Review status: criteria provided, single submitter. Criteria: ACMG Guidelines, 2015. Collection method: clinical testing. Allele origin: germline. Observed: 1 variant allele.
Comment: PP2, PP3, PM1

Labcorp Genetics (formerly Invitae), Labcorp
Classification: Uncertain significance for RASopathy. Last evaluated: 2022-07-12. Review status: criteria provided, single submitter. Criteria: Invitae Variant Classification Sherloc (09022015). Collection method: clinical testing. Allele origin: germline.
Comment: This sequence change replaces valine, which is neutral and non-polar, with isoleucine, which is neutral and non-polar, at codon 624 of the BRAF protein (p.Val624Ile). This variant is present in population databases (rs781330698, gnomAD 0.007%). This variant has not been reported in the literature in individuals affected with BRAF-related conditions. ClinVar contains an entry for this variant (Variation ID: 960949). Algorithms developed to predict the effect of missense changes on protein structure and function (SIFT, PolyPhen-2, Align-GVGD) all suggest that this variant is likely to be disruptive. In summary, the available evidence is currently insufficient to determine the role of this variant in disease. Therefore, it has been classified as a Variant of Uncertain Significance.